The following is an entry in ClinVar:

ClinVar aggregate classification (germline): Uncertain significance (1 of 4 stars; one submission).

Conditions:
TTN-related disorder. Also called: TTN-related disorders; TTN-related condition; TTN-related disease.

gnomAD v4.1: 6 of 1,613,744 alleles (0.00037%); highest among the groups gnomAD compares: Non-Finnish European, 0.00051%; no homozygotes.

Submission:

PreventionGenetics, part of Exact Sciences
Classification: Uncertain significance for TTN-related condition. Last evaluated: 2025-04-05. Review status: criteria provided, single submitter. Criteria: ACMG Guidelines, 2015. Collection method: clinical testing. Allele origin: germline.
Comment: The TTN c.17417A>G variant is predicted to result in the amino acid substitution p.Asn5806Ser. To our knowledge, this variant has not been reported in the literature or in a large population database (gnomAD), indicating this variant is rare. At this time, the clinical significance of this variant is uncertain due to the absence of conclusive functional and genetic evidence.

NM_001267550.2(TTN):c.17417A>G (p.Asn5806Ser)

Genes: TTN (titin; minus strand), LOC126806431 (CDK7 strongly-dependent group 2 enhancer GRCh37_chr2:179595719-179596918; plus strand). Cytogenetic location: 2q31.2.
Variant type: single nucleotide variant.
Coding change: c.17417A>G on transcript NM_001267550.2 (MANE Select); coding-DNA position 17417, A replaced by G.
Protein change: p.Asn5806Ser; replaces asparagine 5806 with serine.
Molecular consequence: missense variant. On other transcripts: intron variant (3).
Genome position (GRCh38, 1-based): chr2:178,731,349, T>C on the plus strand (A>G on the coding strand, the complement: TTN is on the minus strand). VCF-style: chr2-178731349-T-C. GRCh37 (hg19) VCF-style: chr2-179596076-T-C.
Other names: c.16466A>G, p.Asn5489Ser (NM_001256850.1); c.13685A>G, p.Asn4562Ser (NM_133378.4); c.13282+6733A>G (NM_003319.4); c.13858+6733A>G (NM_133437.4); c.13657+6733A>G (NM_133432.3); short protein forms N5489S, N5806S, N4562S.
Identifiers: ClinVar variation 4988641 (VCV004988641.1).
Genomic context (GRCh38, chr2:178,731,349, plus strand): 5'-AACGTTCTGAACCAACCTTTTACTGAGAGTAATGCAGAACATCTTTGTATTCCTGCATCA[T>C]TTTTGGCCTGACAGACATATTTCCCATCATGCTTGACTTCAATGCCACTGAGGTACAAAC-3'
Protein context (NP_001254479.2, residues 5796-5816): HDGKYVCQAK[Asn5806Ser]DAGIQRCSAL